The following is an entry in ClinVar:

NM_007194.4(CHEK2):c.1124del (p.Leu375fs)

Gene: CHEK2 (checkpoint kinase 2; minus strand). Cytogenetic location: 22q12.1.
Variant type: Deletion.
Coding change: c.1124del on transcript NM_007194.4 (MANE Select); coding-DNA position 1124, one base deleted (T; older notation c.1124delT).
Protein change: p.Leu375fs; shifts the reading frame from leucine 375.
Molecular consequence: frameshift variant.
Genome position (GRCh38, 1-based): chr22:28,695,845, A deleted on the plus strand (T on the coding strand, the reverse complement: CHEK2 is on the minus strand); the first of 4 consecutive A bases (chr22:28,695,845-28,695,848); deleting any one gives the same sequence. VCF-style (leftmost placement, unchanged base first): chr22-28695844-CA-C. GRCh37 (hg19) VCF-style: chr22-29091832-CA-C.
Other names: c.1250delT, p.Leu418Trpfs (NM_001005735.3); c.458delT, p.Leu154Trpfs (NM_001257387.3); c.920delT, p.Leu308Trpfs (NM_001349956.3); c.1034delT, p.Leu346Trpfs (NM_145862.3); short protein forms L154fs, L308fs, L375fs, L418fs, L346fs.
Identifiers: ClinVar variation 2586649 (VCV002586649.2), dbSNP rs2145806264, ClinGen allele CA2582342798.

ClinVar aggregate classification (germline): Pathogenic (1 of 4 stars; one submission).

Conditions:
Hereditary cancer-predisposing syndrome. Also called: Hereditary neoplastic syndrome; Tumor predisposition; Hereditary Cancer Syndrome; Neoplastic Syndromes, Hereditary. Identifiers: Orphanet 140162, MedGen C0027672, MeSH D009386, MONDO:0015356.

Submission:

Ambry Genetics
Classification: Pathogenic for Hereditary cancer-predisposing syndrome. Last evaluated: 2023-07-18. Review status: criteria provided, single submitter. Criteria: Ambry Variant Classification Scheme 2023. Collection method: clinical testing. Allele origin: germline.
Comment: The c.1124delT pathogenic mutation, located in coding exon 10 of the CHEK2 gene, results from a deletion of one nucleotide at nucleotide position 1124, causing a translational frameshift with a predicted alternate stop codon (p.L375Wfs*7). This variant is considered to be rare based on population cohorts in the Genome Aggregation Database (gnomAD). This alteration is expected to result in loss of function by premature protein truncation or nonsense-mediated mRNA decay. As such, this alteration is interpreted as a disease-causing mutation.